The following is an entry in ClinVar:

NM_001134673.4(NFIA):c.-40C>T

Gene: NFIA (nuclear factor I A; plus strand). Cytogenetic location: 1p31.3.
Variant type: single nucleotide variant.
Coding change: c.-40C>T on transcript NM_001134673.4 (MANE Select); 40 bases upstream of the start codon, C replaced by T.
Molecular consequence: 5 prime UTR variant. On other transcripts: intron variant (2).
Genome position (GRCh38, 1-based): chr1:61,082,752, C>T. VCF-style: chr1-61082752-C-T. GRCh37 (hg19) VCF-style: chr1-61548424-C-T.
Other names: c.-40C>T (NM_005595.5); c.3+5124C>T (NM_001145511.2); c.105-9C>T (NM_001145512.2).
Identifiers: ClinVar variation 5037717 (VCV005037717.1).

ClinVar aggregate classification (germline): Uncertain significance (1 of 4 stars; one submission).

Submission:

GeneDx
Classification: Uncertain significance. Last evaluated: 2026-04-20. Review status: criteria provided, single submitter. Criteria: GeneDx Variant Classification Process June 2021. Collection method: clinical testing. Allele origin: germline.
Comment: Not observed at significant frequency in large population cohorts (gnomAD); Has not been previously published as pathogenic or benign to our knowledge; In silico analysis is inconclusive as to whether the variant alters gene splicing. In the absence of RNA/functional studies, the actual effect of this sequence change is unknown.; Reported using an alternate transcript of the gene